The following is an entry in ClinVar:

NM_001044385.3(TMEM237):c.986C>G (p.Thr329Arg)

Gene: TMEM237 (transmembrane protein 237; minus strand). Cytogenetic location: 2q33.1.
Variant type: single nucleotide variant.
Coding change: c.986C>G on transcript NM_001044385.3 (MANE Select); coding-DNA position 986, C replaced by G.
Protein change: p.Thr329Arg; replaces threonine 329 with arginine.
Molecular consequence: missense variant.
Genome position (GRCh38, 1-based): chr2:201,627,372, G>C on the plus strand (C>G on the coding strand, the complement: TMEM237 is on the minus strand). VCF-style: chr2-201627372-G-C. GRCh37 (hg19) VCF-style: chr2-202492095-G-C.
Other names: c.962C>G, p.Thr321Arg (NM_152388.4); short protein forms T329R, T321R.
Identifiers: ClinVar variation 1385768 (VCV001385768.5), dbSNP rs1057148787, ClinGen allele CA350306421.
Genomic context (GRCh38, chr2:201,627,372, plus strand): 5'-AATTCTTACCAGAGGCTACCATTAACAGAAGAAGGTGTGTAAAGGTGGATTCTGTCACTT[G>C]TCATTTGCTGACTCAGAGATAGTATAAGAGCAGTAAAGTACACTGAGAAAAAGACAAATG-3'
Protein context (NP_001037850.1, residues 319-339): ALILSLSQQM[Thr329Arg]SDRIHLYTPS

ClinVar aggregate classification (germline): Uncertain significance (1 of 4 stars; one submission).

Conditions:
Joubert syndrome 14 (JBTS14). Identifiers: MedGen C3280766, MONDO:0013745, OMIM 614424.

Allele frequency attached by ClinVar (database versions not stated): gnomAD exomes below 0.00001.
gnomAD v4.1: 1 of 1,607,676 alleles (0.000062%); highest among the groups gnomAD compares: Admixed American, 0.0017%; no homozygotes.

Submission:

Labcorp Genetics (formerly Invitae), Labcorp
Classification: Uncertain significance for Joubert syndrome 14. Last evaluated: 2022-09-06. Review status: criteria provided, single submitter. Criteria: Invitae Variant Classification Sherloc (09022015). Collection method: clinical testing. Allele origin: germline.
Comment: In summary, the available evidence is currently insufficient to determine the role of this variant in disease. Therefore, it has been classified as a Variant of Uncertain Significance. Algorithms developed to predict the effect of missense changes on protein structure and function (SIFT, PolyPhen-2, Align-GVGD) all suggest that this variant is likely to be disruptive. ClinVar contains an entry for this variant (Variation ID: 1385768). This variant has not been reported in the literature in individuals affected with TMEM237-related conditions. This variant is present in population databases (no rsID available, gnomAD no frequency). This sequence change replaces threonine, which is neutral and polar, with arginine, which is basic and polar, at codon 329 of the TMEM237 protein (p.Thr329Arg).